The following is an entry in ClinVar:

ClinVar aggregate classification (germline): Uncertain significance (1 of 4 stars; one submission).

gnomAD v4.1: 5 of 1,614,110 alleles (0.00031%); highest among the groups gnomAD compares: East Asian, 0.0022%; no homozygotes.

Submission:

Labcorp Genetics (formerly Invitae), Labcorp
Classification: Uncertain significance. Last evaluated: 2025-12-15. Review status: criteria provided, single submitter. Criteria: Invitae Variant Classification Sherloc (09022015). Collection method: clinical testing. Allele origin: germline.
Comment: This sequence change replaces arginine, which is basic and polar, with glutamine, which is neutral and polar, at codon 2946 of the SRCAP protein (p.Arg2946Gln). This variant is present in population databases (rs763889246, gnomAD 0.003%). This variant has not been reported in the literature in individuals affected with SRCAP-related conditions. Invitae Evidence Modeling of protein sequence and biophysical properties (such as structural, functional, and spatial information, amino acid conservation, physicochemical variation, residue mobility, and thermodynamic stability) has been performed for this missense variant. However, the output from this modeling did not meet the statistical confidence thresholds required to predict the impact of this variant on SRCAP protein function. In summary, the available evidence is currently insufficient to determine the role of this variant in disease. Therefore, it has been classified as a Variant of Uncertain Significance.

NM_006662.3(SRCAP):c.8837G>A (p.Arg2946Gln)

Gene: SRCAP (Snf2 related CREBBP activator protein; plus strand). Cytogenetic location: 16p11.2.
Variant type: single nucleotide variant.
Coding change: c.8837G>A on transcript NM_006662.3 (MANE Select); coding-DNA position 8837, G replaced by A.
Protein change: p.Arg2946Gln; replaces arginine 2946 with glutamine.
Molecular consequence: missense variant.
Genome position (GRCh38, 1-based): chr16:30,738,877, G>A. VCF-style: chr16-30738877-G-A. GRCh37 (hg19) VCF-style: chr16-30750198-G-A.
Other names: short protein forms R2946Q.
Identifiers: ClinVar variation 4775970 (VCV004775970.1).